The following is an entry in ClinVar:

NM_000070.3(CAPN3):c.539A>G (p.Asp180Gly)

Gene: CAPN3 (calpain 3; plus strand). Cytogenetic location: 15q15.1.
Variant type: single nucleotide variant.
Coding change: c.539A>G on transcript NM_000070.3 (MANE Select); coding-DNA position 539, A replaced by G.
Protein change: p.Asp180Gly; replaces aspartic acid 180 with glycine.
Molecular consequence: missense variant.
Genome position (GRCh38, 1-based): chr15:42,387,793, A>G. VCF-style: chr15-42387793-A-G. GRCh37 (hg19) VCF-style: chr15-42679991-A-G.
Other names: c.539A>G, p.Asp180Gly (NM_024344.2, NM_173087.2); c.278A>G, p.Asp93Gly (NM_212464.2); c.*232A>G (NM_212467.2); short protein forms D180G, D93G.
Identifiers: ClinVar variation 1720443 (VCV001720443.6), dbSNP rs2548257962, ClinGen allele CA391997828.

ClinVar aggregate classification (germline): Uncertain significance (1 of 4 stars; one submission).

Conditions:
Autosomal recessive limb-girdle muscular dystrophy type 2A (LGMDR1). Also called: Limb-girdle muscular dystrophy, type 2A; Calpainopathy; LEYDEN-MOEBIUS MUSCULAR DYSTROPHY; MUSCULAR DYSTROPHY, PELVOFEMORAL; Muscular dystrophy, limb-girdle, type 2A, Amish. Identifiers: Orphanet 267, MedGen C1869123, MONDO:0009675, OMIM 253600. Disease mechanism: loss of function.

Submission:

Labcorp Genetics (formerly Invitae), Labcorp
Classification: Uncertain significance for Autosomal recessive limb-girdle muscular dystrophy type 2A. Last evaluated: 2025-08-18. Review status: criteria provided, single submitter. Criteria: Invitae Variant Classification Sherloc (09022015). Collection method: clinical testing. Allele origin: germline.
Comment: This sequence change replaces aspartic acid, which is acidic and polar, with glycine, which is neutral and non-polar, at codon 180 of the CAPN3 protein (p.Asp180Gly). This variant is not present in population databases (gnomAD no frequency). This variant has not been reported in the literature in individuals affected with CAPN3-related conditions. ClinVar contains an entry for this variant (Variation ID: 1720443). Invitae Evidence Modeling of protein sequence and biophysical properties (such as structural, functional, and spatial information, amino acid conservation, physicochemical variation, residue mobility, and thermodynamic stability) indicates that this missense variant is expected to disrupt CAPN3 protein function with a positive predictive value of 80%. In summary, the available evidence is currently insufficient to determine the role of this variant in disease. Therefore, it has been classified as a Variant of Uncertain Significance.